The following is an entry in ClinVar:

ClinVar aggregate classification (germline): Uncertain significance. Review status: criteria provided, multiple submitters, no conflicts (2 of 4 stars). 3 submissions from 3 submitters: Uncertain significance (3). Last evaluated 2023-10-09.

Conditions:
Intellectual developmental disorder, X-linked 30. Also called: Intellectual disability, X-linked 30; MENTAL RETARDATION, X-LINKED 47. Identifiers: Orphanet 777, MedGen C0796237, MONDO:0010361, OMIM 300558.

Submissions (3):

Labcorp Genetics (formerly Invitae), Labcorp
Classification: Uncertain significance. Last evaluated: 2023-10-09. Review status: criteria provided, single submitter. Criteria: Invitae Variant Classification Sherloc (09022015). Collection method: clinical testing. Allele origin: germline.
Comment: This variant, c.546_548del, results in the deletion of 1 amino acid(s) of the PAK3 protein (p.Glu182del), but otherwise preserves the integrity of the reading frame. The frequency data for this variant in the population databases is considered unreliable, as metrics indicate poor data quality at this position in the gnomAD database. This variant has not been reported in the literature in individuals affected with PAK3-related conditions. Experimental studies and prediction algorithms are not available or were not evaluated, and the functional significance of this variant is currently unknown. In summary, the available evidence is currently insufficient to determine the role of this variant in disease. Therefore, it has been classified as a Variant of Uncertain Significance.

Revvity Omics, Revvity
Classification: Uncertain significance for Intellectual developmental disorder, X-linked 30. Last evaluated: 2021-01-22. Review status: criteria provided, single submitter. Criteria: ACMG Guidelines, 2015. Collection method: clinical testing. Allele origin: germline.

Genomic Research Center, Shahid Beheshti University of Medical Sciences
Classification: Uncertain significance for Intellectual developmental disorder, X-linked 30. Last evaluated: 2017-12-03. Review status: criteria provided, single submitter. Criteria: ACMG Guidelines, 2015. Collection method: clinical testing. Allele origin: inherited. Affected: yes.

NM_002578.5(PAK3):c.534AGA[4] (p.Glu182del)

Gene: PAK3 (p21 (RAC1) activated kinase 3; plus strand). Cytogenetic location: Xq23.
Variant type: Microsatellite.
Coding change: c.534AGA[4] on transcript NM_002578.5 (MANE Select); four copies in a row of the 3-base unit AGA starting at c.534; the reference has five copies in a row; one copy, 3 bases deleted; also written c.546_548del.
Protein change: p.Glu182del; deletes glutamic acid 182.
Molecular consequence: inframe deletion. On other transcripts: non-coding transcript variant (2).
Genome position (GRCh38, 1-based): chrX:111,162,992-111,162,994, AGA deleted; deleting any 3 consecutive bases within chrX:111,162,978-111,162,994 gives the same sequence; the position shown is the placement nearest the transcript's 3' end. VCF-style (leftmost placement, unchanged base first): chrX-111162977-GGAA-G. GRCh37 (hg19) VCF-style: chrX-110406205-GGAA-G.
Other names: c.546_548del (NM_002578.5); c.532_534del (NM_001128167.2); c.534AGA[4], p.Glu182del (NM_001128166.3, NM_001128167.3, NM_001324325.2 and 5 more transcripts); c.642AGA[4], p.Glu218del (NM_001128168.3); c.597AGA[4], p.Glu203del (NM_001128172.2); c.579AGA[4], p.Glu197del (NM_001128173.3, NM_001324327.2, NM_001324328.2 and 2 more transcripts); short protein forms E182del, E203del, E218del, E197del.
Identifiers: ClinVar variation 522789 (VCV000522789.9), dbSNP rs749370794, ClinGen allele CA10492661.